The following is an entry in ClinVar:

ClinVar aggregate classification (germline): Uncertain significance (1 of 4 stars; one submission).

Conditions:
Emery-Dreifuss muscular dystrophy 4, autosomal dominant (EDMD4). Also called: EMERY-DREIFUSS MUSCULAR DYSTROPHY 4 WITH VARIABLE FEATURES. Identifiers: Orphanet 261, MedGen C2751807, MONDO:0013071, OMIM 612998.
Autosomal recessive ataxia, Beauce type. Also called: Spinocerebellar ataxia, autosomal recessive 8; ATAXIA, RECESSIVE, OF BEAUCE; SYNE1 Deficiency; SYNE1-Related Autosomal Recessive Cerebellar Ataxia. Identifiers: Orphanet 88644, MedGen C1853116, MONDO:0012549, OMIM 610743.

Allele frequency attached by ClinVar (database versions not stated): gnomAD exomes below 0.00001; TOPMed below 0.00001; ExAC 0.00001.
gnomAD v4.1: 1 of 1,614,160 alleles (0.000062%); highest among the groups gnomAD compares: Admixed American, 0.0017%; no homozygotes.

Submission:

Labcorp Genetics (formerly Invitae), Labcorp
Classification: Uncertain significance for Emery-Dreifuss muscular dystrophy 4, autosomal dominant; Autosomal recessive ataxia, Beauce type. Last evaluated: 2024-01-08. Review status: criteria provided, single submitter. Criteria: Invitae Variant Classification Sherloc (09022015). Collection method: clinical testing. Allele origin: germline.
Comment: This sequence change replaces glutamine, which is neutral and polar, with histidine, which is basic and polar, at codon 4469 of the SYNE1 protein (p.Gln4469His). This variant is present in population databases (rs755192690, gnomAD 0.003%). This variant has not been reported in the literature in individuals affected with SYNE1-related conditions. ClinVar contains an entry for this variant (Variation ID: 1520045). An algorithm developed to predict the effect of missense changes on protein structure and function (PolyPhen-2) suggests that this variant is likely to be disruptive. In summary, the available evidence is currently insufficient to determine the role of this variant in disease. Therefore, it has been classified as a Variant of Uncertain Significance.

NM_182961.4(SYNE1):c.13620G>C (p.Gln4540His)

Gene: SYNE1 (spectrin repeat containing nuclear envelope protein 1; minus strand). Cytogenetic location: 6q25.2.
Variant type: single nucleotide variant.
Coding change: c.13620G>C on transcript NM_182961.4 (MANE Select); coding-DNA position 13620, G replaced by C.
Protein change: p.Gln4540His; replaces glutamine 4540 with histidine.
Molecular consequence: missense variant.
Genome position (GRCh38, 1-based): chr6:152,331,065, C>G on the plus strand (G>C on the coding strand, the complement: SYNE1 is on the minus strand). VCF-style: chr6-152331065-C-G. GRCh37 (hg19) VCF-style: chr6-152652200-C-G.
Other names: c.13407G>C, p.Gln4469His (NM_033071.5); short protein forms Q4469H, Q4540H.
Identifiers: ClinVar variation 1520045 (VCV001520045.9), dbSNP rs755192690, ClinGen allele CA4056150.